The following is an entry in ClinVar:

NM_001165963.4(SCN1A):c.1450T>G (p.Ser484Ala)

Gene: SCN1A (sodium voltage-gated channel alpha subunit 1; minus strand). Cytogenetic location: 2q24.3.
Variant type: single nucleotide variant.
Coding change: c.1450T>G on transcript NM_001165963.4 (MANE Select); coding-DNA position 1450, T replaced by G.
Protein change: p.Ser484Ala; replaces serine 484 with alanine.
Molecular consequence: missense variant. On other transcripts: 5 prime UTR variant (1), non-coding transcript variant (1).
Genome position (GRCh38, 1-based): chr2:166,045,255, A>C on the plus strand (T>G on the coding strand, the complement: SCN1A is on the minus strand). VCF-style: chr2-166045255-A-C. GRCh37 (hg19) VCF-style: chr2-166901765-A-C.
Other names: c.1450T>G, p.Ser484Ala (NM_001165964.3, NM_001202435.3, NM_001353948.2 and 7 more transcripts); c.1447T>G, p.Ser483Ala (NM_001353954.2, NM_001353955.2, NM_001353960.2); c.-976T>G (NM_001353961.2); short protein forms S483A, S484A.
Identifiers: ClinVar variation 3252402 (VCV003252402.1), dbSNP rs2468168805.

ClinVar aggregate classification (germline): Uncertain significance (1 of 4 stars; one submission).

Allele frequency attached by ClinVar (database versions not stated): gnomAD exomes below 0.00001.
gnomAD v4.1: 1 of 1,614,062 alleles (0.000062%); highest among the groups gnomAD compares: Non-Finnish European, 0.000085%; no homozygotes.

Submission:

GeneDx
Classification: Uncertain significance. Last evaluated: 2023-12-07. Review status: criteria provided, single submitter. Criteria: GeneDx Variant Classification Process June 2021. Collection method: clinical testing. Allele origin: germline. Affected: yes.
Comment: Not observed at significant frequency in large population cohorts (gnomAD); Missense variants in this gene are a common cause of disease and they are underrepresented in the general population; In silico analysis supports that this missense variant does not alter protein structure/function; This substitution is predicted to be within the the cytoplasmic loop between the first and second homologous domains; Has not been previously published as pathogenic or benign to our knowledge